The following is an entry in ClinVar:

NM_006269.2(RP1):c.5874_5877del (p.Leu1959fs)

Genes: RP1 (RP1 axonemal microtubule associated; plus strand), LOC126860392 (CDK7 strongly-dependent group 2 enhancer GRCh37_chr8:55541319-55542518; plus strand). Cytogenetic location: 8q12.1.
Variant type: Deletion.
Coding change: c.5874_5877del on transcript NM_006269.2 (MANE Select); coding-DNA positions 5874 to 5877, 4 bases deleted (TTTA; older notation c.5874_5877delTTTA).
Protein change: p.Leu1959fs; shifts the reading frame from leucine 1959.
Molecular consequence: frameshift variant. On other transcripts: intron variant (1).
Genome position (GRCh38, 1-based): chr8:54,629,756-54,629,759, TTTA deleted; deleting any 4 consecutive bases within chr8:54,629,754-54,629,759 gives the same sequence; the c. name uses the placement nearest the transcript's 3' end. VCF-style (leftmost placement, unchanged base first): chr8-54629753-ATATT-A. GRCh37 (hg19) VCF-style: chr8-55542313-ATATT-A.
Other names: c.787+7468_787+7471del (NM_001375654.1); short protein forms L1959fs.
Identifiers: ClinVar variation 4717892 (VCV004717892.1).
Genomic context (GRCh38, chr8:54,629,753, plus strand): 5'-TCGCAAAGAATCTGATATTGAAAATTTCTTGGGTTTTTATTTATGGATGAAAATACACCC[ATATT>A]TACTTCAGACAGACAAAAATGTGTTCAGGGAAGAGAACAATAAAGCAAGTATGAGACAAA-3'

ClinVar aggregate classification (germline): Pathogenic (1 of 4 stars; one submission).

Submission:

Labcorp Genetics (formerly Invitae), Labcorp
Classification: Pathogenic. Last evaluated: 2025-10-05. Review status: criteria provided, single submitter. Criteria: Invitae Variant Classification Sherloc (09022015). Collection method: clinical testing. Allele origin: germline.
Comment: This sequence change creates a premature translational stop signal (p.Leu1959Phefs*17) in the RP1 gene. While this is not anticipated to result in nonsense mediated decay, it is expected to disrupt the last 198 amino acid(s) of the RP1 protein. This variant is not present in population databases (gnomAD no frequency). This variant has not been reported in the literature in individuals affected with RP1-related conditions. This variant disrupts a region of the RP1 protein in which other variant(s) (p.Ile2061Serfs*12) have been determined to be pathogenic (PMID: 11527933, 19933189, 29425069, 30027431, 33681214). This suggests that this is a clinically significant region of the protein, and that variants that disrupt it are likely to be disease-causing. For these reasons, this variant has been classified as Pathogenic.

Literature cited by the submitters: PubMed 11527933; PubMed 19933189; PubMed 29425069; PubMed 30027431; PubMed 33681214.